The following is an entry in ClinVar:

NM_005327.7(HADH):c.533T>A (p.Met178Lys)

Gene: HADH (hydroxyacyl-CoA dehydrogenase; plus strand). Cytogenetic location: 4q25.
Variant type: single nucleotide variant.
Coding change: c.533T>A on transcript NM_005327.7 (MANE Select); coding-DNA position 533, T replaced by A.
Protein change: p.Met178Lys; replaces methionine 178 with lysine.
Molecular consequence: missense variant.
Genome position (GRCh38, 1-based): chr4:108,019,653, T>A. VCF-style: chr4-108019653-T-A. GRCh37 (hg19) VCF-style: chr4-108940809-T-A.
Other names: c.533T>A, p.Met178Lys (NM_001184705.4); c.545T>A, p.Met182Lys (NM_001331027.2); short protein forms M178K, M182K.
Identifiers: ClinVar variation 2076525 (VCV002076525.1), dbSNP rs1045723176, ClinGen allele CA357833255.

ClinVar aggregate classification (germline): Uncertain significance (1 of 4 stars; one submission).

Conditions:
Deficiency of 3-hydroxyacyl-CoA dehydrogenase. Also called: HADH DEFICIENCY; 3-hydroxyacyl-CoA dehydrogenase deficiency. Identifiers: Orphanet 309127, Orphanet 71212, MedGen C1291230, MONDO:0017715, OMIM 231530.

Allele frequency attached by ClinVar (database versions not stated): gnomAD exomes below 0.00001; gnomAD 0.00001; TOPMed 0.00001.

Submission:

Labcorp Genetics (formerly Invitae), Labcorp
Classification: Uncertain significance for Deficiency of 3-hydroxyacyl-CoA dehydrogenase. Last evaluated: 2022-08-22. Review status: criteria provided, single submitter. Criteria: Invitae Variant Classification Sherloc (09022015). Collection method: clinical testing. Allele origin: germline.
Comment: This sequence change replaces methionine, which is neutral and non-polar, with lysine, which is basic and polar, at codon 178 of the HADH protein (p.Met178Lys). This variant is not present in population databases (gnomAD no frequency). This variant has not been reported in the literature in individuals affected with HADH-related conditions. Algorithms developed to predict the effect of missense changes on protein structure and function (SIFT, PolyPhen-2, Align-GVGD) all suggest that this variant is likely to be disruptive. In summary, the available evidence is currently insufficient to determine the role of this variant in disease. Therefore, it has been classified as a Variant of Uncertain Significance.